The following is an entry in ClinVar:

ClinVar aggregate classification (germline): Uncertain significance (1 of 4 stars; one submission).

Conditions:
RYR1-related disorder. Also called: RYR1-related condition; RYR1-related disorders. Identifiers: MedGen CN239331.

gnomAD v4.1: 2 of 1,611,960 alleles (0.00012%); highest among the groups gnomAD compares: East Asian, 0.0022%; no homozygotes.

Submission:

Labcorp Genetics (formerly Invitae), Labcorp
Classification: Uncertain significance for RYR1-related disorder. Last evaluated: 2024-07-05. Review status: criteria provided, single submitter. Criteria: Invitae Variant Classification Sherloc (09022015). Collection method: clinical testing. Allele origin: germline.
Comment: This sequence change replaces methionine, which is neutral and non-polar, with isoleucine, which is neutral and non-polar, at codon 2530 of the RYR1 protein (p.Met2530Ile). This variant is present in population databases (no rsID available, gnomAD 0.006%). This variant has not been reported in the literature in individuals affected with RYR1-related conditions. Advanced modeling of protein sequence and biophysical properties (such as structural, functional, and spatial information, amino acid conservation, physicochemical variation, residue mobility, and thermodynamic stability) performed at Invitae indicates that this missense variant is not expected to disrupt RYR1 protein function with a negative predictive value of 95%. In summary, the available evidence is currently insufficient to determine the role of this variant in disease. Therefore, it has been classified as a Variant of Uncertain Significance.

NM_000540.3(RYR1):c.7590G>A (p.Met2530Ile)

Gene: RYR1 (ryanodine receptor 1; plus strand). Cytogenetic location: 19q13.2.
Variant type: single nucleotide variant.
Coding change: c.7590G>A on transcript NM_000540.3 (MANE Select); coding-DNA position 7590, G replaced by A.
Protein change: p.Met2530Ile; replaces methionine 2530 with isoleucine.
Molecular consequence: missense variant.
Genome position (GRCh38, 1-based): chr19:38,500,966, G>A. VCF-style: chr19-38500966-G-A. GRCh37 (hg19) VCF-style: chr19-38991606-G-A.
Other names: c.7590G>A, p.Met2530Ile (NM_001042723.2); short protein forms M2530I.
Identifiers: ClinVar variation 3713137 (VCV003713137.2).